The following is an entry in ClinVar:

ClinVar aggregate classification (germline): Likely benign. Review status: criteria provided, multiple submitters, no conflicts (2 of 4 stars). 5 submissions from 5 submitters: Likely benign (4). 1 of the submissions does not count toward it. Last evaluated 2026-03-01.

Conditions:
WARS2-related disorder. Also called: WARS2-related disorders; WARS2 related condition.

Allele frequency attached by ClinVar (database versions not stated): 1000 Genomes Project 0.00080; 1000 Genomes Project 30x 0.00094; TOPMed 0.00150; gnomAD 0.00166 and 0.00168; ExAC 0.00178; gnomAD exomes 0.00178 and 0.00272; ESP Exome Variant Server 0.00231.
gnomAD v4.1: 4,201 of 1,613,804 alleles (0.26%); highest among the groups gnomAD compares: Non-Finnish European, 0.32%; 11 homozygotes.

Submissions (5):

CeGaT Center for Human Genetics Tuebingen
Classification: Likely benign. Last evaluated: 2026-03-01. Review status: criteria provided, single submitter. Criteria: CeGaT Center For Human Genetics Tuebingen Variant Classification Criteria Version 2. Collection method: clinical testing. Allele origin: germline. Affected: yes. Observed: 4 variant alleles.
Comment: WARS2: BP4

Blueprint Genetics
Classification: Likely benign. Last evaluated: 2024-11-22. Review status: criteria provided, single submitter. Criteria: ACMG Guidelines, 2015. Collection method: clinical testing. Allele origin: germline.

Labcorp Genetics (formerly Invitae), Labcorp
Classification: Likely benign. Last evaluated: 2019-12-31. Review status: criteria provided, single submitter. Criteria: Invitae Variant Classification Sherloc (09022015). Collection method: clinical testing. Allele origin: germline.

Breakthrough Genomics
Classification: Likely benign. Review status: criteria provided, single submitter. Criteria: ACMG Guidelines, 2015. Collection method: not provided. Allele origin: germline. Inheritance: Autosomal recessive inheritance. Affected: yes.

PreventionGenetics, part of Exact Sciences
Classification: Likely benign for WARS2-related condition. Last evaluated: 2022-04-20. Review status: no assertion criteria provided. Collection method: clinical testing. Allele origin: germline. Not counted in ClinVar's aggregate classification.
Comment: This variant is classified as likely benign based on ACMG/AMP sequence variant interpretation guidelines (Richards et al. 2015 PMID: 25741868, with internal and published modifications).

NM_015836.4(WARS2):c.452A>G (p.His151Arg)

Gene: WARS2 (tryptophanyl tRNA synthetase 2, mitochondrial; minus strand). Cytogenetic location: 1p12.
Variant type: single nucleotide variant.
Coding change: c.452A>G on transcript NM_015836.4 (MANE Select); coding-DNA position 452, A replaced by G.
Protein change: p.His151Arg; replaces histidine 151 with arginine.
Molecular consequence: missense variant. On other transcripts: intron variant (1).
Genome position (GRCh38, 1-based): chr1:119,042,327, T>C on the plus strand (A>G on the coding strand, the complement: WARS2 is on the minus strand). VCF-style: chr1-119042327-T-C. GRCh37 (hg19) VCF-style: chr1-119584950-T-C.
Other names: c.383A>G, p.His128Arg (NM_001378226.1, NM_001378227.1); c.281A>G, p.His94Arg (NM_001378228.1); c.194A>G, p.His65Arg (NM_001378229.1); c.170A>G, p.His57Arg (NM_001378230.1); c.452A>G, p.His151Arg (NM_201263.2); c.429+3255A>G (NM_001378231.1); short protein forms H151R, H128R, H57R, H65R, H94R.
Identifiers: ClinVar variation 777559 (VCV000777559.34), dbSNP rs150022801, ClinGen allele CA1035315.
Genomic context (GRCh38, chr1:119,042,327, plus strand): 5'-TACAACAGAATGTCGGCTGCCTGGAGTACTGGGTATGTGAGCAGGCCCACCGTGCCATCG[T>C]GCTTCTGCTTGGTAGTCTTTGCCTGTGAGAGGTGAAAAGAGAGGAGGGGAAGAAATCTGA-3'
Protein context (NP_056651.1, residues 141-161): QWKAKTTKQK[His151Arg]DGTVGLLTYP